The following is an entry in ClinVar:

NM_006289.4(TLN1):c.210C>T (p.Tyr70=)

Gene: TLN1 (talin 1; minus strand). Cytogenetic location: 9p13.3.
Variant type: single nucleotide variant.
Coding change: c.210C>T on transcript NM_006289.4 (MANE Select); coding-DNA position 210, C replaced by T.
Protein change: p.Tyr70=; no amino-acid change (tyrosine 70 retained).
Molecular consequence: synonymous variant.
Genome position (GRCh38, 1-based): chr9:35,725,242, G>A on the plus strand (C>T on the coding strand, the complement: TLN1 is on the minus strand). VCF-style: chr9-35725242-G-A. GRCh37 (hg19) VCF-style: chr9-35725239-G-A.
Identifiers: ClinVar variation 4085588 (VCV004085588.8).

ClinVar aggregate classification (germline): Likely benign (1 of 4 stars; one submission).

Submission:

CeGaT Center for Human Genetics Tuebingen
Classification: Likely benign. Last evaluated: 2025-07-01. Review status: criteria provided, single submitter. Criteria: CeGaT Center For Human Genetics Tuebingen Variant Classification Criteria Version 2. Collection method: clinical testing. Allele origin: germline. Affected: yes. Observed: 1 variant allele.
Comment: TLN1: PM2:Supporting, BP4, BP7